The following is an entry in ClinVar:

NM_001164508.2(NEB):c.12C>T (p.Asp4=)

Gene: NEB (nebulin; minus strand). Cytogenetic location: 2q23.3.
Variant type: single nucleotide variant.
Coding change: c.12C>T on transcript NM_001164508.2 (MANE Select); coding-DNA position 12, C replaced by T.
Protein change: p.Asp4=; no amino-acid change (aspartic acid 4 retained).
Molecular consequence: synonymous variant.
Genome position (GRCh38, 1-based): chr2:151,733,145, G>A on the plus strand (C>T on the coding strand, the complement: NEB is on the minus strand). VCF-style: chr2-151733145-G-A. GRCh37 (hg19) VCF-style: chr2-152589659-G-A.
Other names: c.12C>T, p.Asp4= (NM_001164507.2, NM_001271208.2, NM_004543.5).
Identifiers: ClinVar variation 95107 (VCV000095107.45), dbSNP rs117178114, ClinGen allele CA207984.

ClinVar aggregate classification (germline): Conflicting classifications of pathogenicity. Review status: criteria provided, conflicting classifications (1 of 4 stars). 9 submissions from 9 submitters: Uncertain significance (1); Benign (4); Likely benign (3). 1 of the submissions does not count toward it. Last evaluated 2026-01-29.

Conditions:
Nemaline myopathy 2 (NEM2). Also called: Nemaline myopathy 2, autosomal recessive. Identifiers: MedGen C1850569, MONDO:0009725, OMIM 256030.

Allele frequency attached by ClinVar (database versions not stated): ESP Exome Variant Server 0.00051; gnomAD 0.00119; gnomAD exomes 0.00142; TOPMed 0.00143; ExAC 0.00183; 1000 Genomes Project 30x 0.00234; 1000 Genomes Project 0.00260.
gnomAD v4.1: 1,264 of 1,603,876 alleles (0.079%); highest among the groups gnomAD compares: East Asian, 0.83%; 3 homozygotes.

Submissions (9):

Labcorp Genetics (formerly Invitae), Labcorp
Classification: Benign for Nemaline myopathy 2. Last evaluated: 2026-01-29. Review status: criteria provided, single submitter. Criteria: Invitae Variant Classification Sherloc (09022015). Collection method: clinical testing. Allele origin: germline.

Blueprint Genetics
Classification: Likely benign. Last evaluated: 2024-11-22. Review status: criteria provided, single submitter. Criteria: ACMG Guidelines, 2015. Collection method: clinical testing. Allele origin: germline.

CeGaT Center for Human Genetics Tuebingen
Classification: Likely benign. Last evaluated: 2024-11-01. Review status: criteria provided, single submitter. Criteria: CeGaT Center For Human Genetics Tuebingen Variant Classification Criteria Version 2. Collection method: clinical testing. Allele origin: germline. Affected: yes. Observed: 1 variant allele.
Comment: NEB: BP4, BP7

GeneDx
Classification: Benign. Last evaluated: 2020-04-13. Review status: criteria provided, single submitter. Criteria: GeneDx Variant Classification Process June 2021. Collection method: clinical testing. Allele origin: germline. Affected: yes.

Illumina Laboratory Services, Illumina
Classification: Likely benign for Nemaline myopathy 2. Last evaluated: 2018-01-13. Review status: criteria provided, single submitter. Criteria: ICSL Variant Classification Criteria 13 December 2019. Collection method: clinical testing. Allele origin: germline.
Comment: This variant was observed in the ICSL laboratory as part of a predisposition screen in an ostensibly healthy population. It had not been previously curated by ICSL or reported in the Human Gene Mutation Database (HGMD: prior to June 1st, 2018), and was therefore a candidate for classification through an automated scoring system. Utilizing variant allele frequency, disease prevalence and penetrance estimates, and inheritance mode, an automated score was calculated to assess if this variant is too frequent to cause the disease. Based on the score and internal cut-off values, a variant classified as likely benign is not then subjected to further curation. The score for this variant resulted in a classification of likely benign for this disease.

Genetic Services Laboratory, University of Chicago
Classification: Benign. Last evaluated: 2017-05-03. Review status: criteria provided, single submitter. Criteria: ACMG Guidelines, 2015. Collection method: clinical testing. Allele origin: germline. Affected: no.

Eurofins Ntd Llc (ga)
Classification: Uncertain significance. Last evaluated: 2014-02-20. Review status: criteria provided, single submitter. Criteria: EGL Classification Definitions 2015. Collection method: clinical testing. Allele origin: germline. Observed: 3 variant alleles, 3 heterozygotes.

PreventionGenetics, part of Exact Sciences
Classification: Benign. Review status: criteria provided, single submitter. Criteria: ACMG Guidelines, 2015. Collection method: clinical testing. Allele origin: germline.

Natera, Inc.
Classification: Likely benign for Nemaline myopathy type 2. Last evaluated: 2020-06-24. Review status: no assertion criteria provided. Collection method: clinical testing. Allele origin: germline. Not counted in ClinVar's aggregate classification.